The following is an entry in ClinVar:

NM_001379500.1(COL18A1):c.1504C>T (p.Pro502Ser)

Gene: COL18A1 (collagen type XVIII alpha 1 chain; plus strand). Cytogenetic location: 21q22.3.
Variant type: single nucleotide variant.
Coding change: c.1504C>T on transcript NM_001379500.1 (MANE Select); coding-DNA position 1504, C replaced by T.
Protein change: p.Pro502Ser; replaces proline 502 with serine.
Molecular consequence: missense variant.
Genome position (GRCh38, 1-based): chr21:45,480,751, C>T. VCF-style: chr21-45480751-C-T. GRCh37 (hg19) VCF-style: chr21-46900665-C-T.
Other names: c.2044C>T, p.Pro682Ser (NM_030582.4); c.2749C>T, p.Pro917Ser (NM_130444.3); short protein forms P502S, P682S, P917S.
Identifiers: ClinVar variation 1379622 (VCV001379622.7), dbSNP rs768826416, ClinGen allele CA10066369.

ClinVar aggregate classification (germline): Uncertain significance. Review status: criteria provided, multiple submitters, no conflicts (2 of 4 stars). 2 submissions from 2 submitters: Uncertain significance (2). Last evaluated 2025-06-09.

Allele frequency attached by ClinVar (database versions not stated): gnomAD exomes 0.00001 and 0.00002; ExAC 0.00003.
gnomAD v4.1: 18 of 1,610,724 alleles (0.0011%); highest among the groups gnomAD compares: Non-Finnish European, 0.0014%; no homozygotes.

Submissions (2):

Labcorp Genetics (formerly Invitae), Labcorp
Classification: Uncertain significance. Last evaluated: 2025-06-09. Review status: criteria provided, single submitter. Criteria: Invitae Variant Classification Sherloc (09022015). Collection method: clinical testing. Allele origin: germline.
Comment: This sequence change replaces proline, which is neutral and non-polar, with serine, which is neutral and polar, at codon 502 of the COL18A1 protein (p.Pro502Ser). This variant is present in population databases (rs768826416, gnomAD 0.004%). This variant has not been reported in the literature in individuals affected with COL18A1-related conditions. ClinVar contains an entry for this variant (Variation ID: 1379622). Experimental studies and prediction algorithms are not available or were not evaluated, and the functional significance of this variant is currently unknown. In summary, the available evidence is currently insufficient to determine the role of this variant in disease. Therefore, it has been classified as a Variant of Uncertain Significance.

Blueprint Genetics
Classification: Uncertain significance. Last evaluated: 2023-12-12. Review status: criteria provided, single submitter. Criteria: ACMG Guidelines, 2015. Collection method: clinical testing. Allele origin: germline.